The following is an entry in ClinVar:

NM_000256.3(MYBPC3):c.1624+1_1624+10del

Gene: MYBPC3 (myosin binding protein C3; minus strand). Cytogenetic location: 11p11.2.
Variant type: Deletion.
Coding change: c.1624+1_1624+10del on transcript NM_000256.3 (MANE Select); the canonical splice donor site of the intron after coding-DNA position 1624 through 10 bases into the intron after coding-DNA position 1624, 10 bases deleted (GTGAGCCTGG; older notation c.1624+1_1624+10delGTGAGCCTGG).
Molecular consequence: splice donor variant.
Genome position (GRCh38, 1-based): chr11:47,342,568-47,342,577, CCAGGCTCAC deleted on the plus strand (GTGAGCCTGG on the coding strand, the reverse complement: MYBPC3 is on the minus strand); deleting any 10 consecutive bases within chr11:47,342,568-47,342,579 gives the same sequence; the c. name uses the placement nearest the transcript's 3' end. VCF-style (leftmost placement, unchanged base first): chr11-47342567-GCCAGGCTCAC-G. GRCh37 (hg19) VCF-style: chr11-47364118-GCCAGGCTCAC-G.
Identifiers: ClinVar variation 4974491 (VCV004974491.1).

ClinVar aggregate classification (germline): Likely pathogenic (1 of 4 stars; one submission).

Conditions:
Hypertrophic cardiomyopathy 4. Also called: Familial hypertrophic cardiomyopathy 4. Identifiers: MedGen C1861862, MONDO:0007268, OMIM 115197.

Submission:

Clinical Genetics Laboratory, Skane University Hospital Lund
Classification: Likely pathogenic for Hypertrophic cardiomyopathy 4. Last evaluated: 2026-08-14. Review status: criteria provided, single submitter. Criteria: ACMG Guidelines, 2015. Collection method: clinical testing. Allele origin: germline. Affected: yes.
Comment: MYBPC3 specific criteria used: PVS1, PS1_Supporting, PM2_Supporting.